The following is an entry in ClinVar:

ClinVar aggregate classification (germline): Uncertain significance (1 of 4 stars; one submission).

Allele frequency attached by ClinVar (database versions not stated): gnomAD exomes below 0.00001; TOPMed below 0.00001.
gnomAD v4.1: 3 of 1,614,268 alleles (0.00019%); highest among the groups gnomAD compares: Admixed American, 0.0033%; no homozygotes.

Submission:

Labcorp Genetics (formerly Invitae), Labcorp
Classification: Uncertain significance. Last evaluated: 2021-03-24. Review status: criteria provided, single submitter. Criteria: Invitae Variant Classification Sherloc (09022015). Collection method: clinical testing. Allele origin: germline.
Comment: This sequence change replaces phenylalanine with isoleucine at codon 146 of the RHO protein (p.Phe146Ile). The phenylalanine residue is highly conserved and there is a small physicochemical difference between phenylalanine and isoleucine. In summary, the available evidence is currently insufficient to determine the role of this variant in disease. Therefore, it has been classified as a Variant of Uncertain Significance. Algorithms developed to predict the effect of missense changes on protein structure and function are either unavailable or do not agree on the potential impact of this missense change (SIFT: "Deleterious"; PolyPhen-2: "Probably Damaging"; Align-GVGD: "Class C15"). This variant has not been reported in the literature in individuals with RHO-related conditions. This variant is not present in population databases (ExAC no frequency).

NM_000539.3(RHO):c.436T>A (p.Phe146Ile)

Gene: RHO (rhodopsin; plus strand). Cytogenetic location: 3q22.1.
Variant type: single nucleotide variant.
Coding change: c.436T>A on transcript NM_000539.3 (MANE Select); coding-DNA position 436, T replaced by A.
Protein change: p.Phe146Ile; replaces phenylalanine 146 with isoleucine.
Molecular consequence: missense variant.
Genome position (GRCh38, 1-based): chr3:129,530,950, T>A. VCF-style: chr3-129530950-T-A. GRCh37 (hg19) VCF-style: chr3-129249793-T-A.
Other names: short protein forms F146I.
Identifiers: ClinVar variation 1524171 (VCV001524171.8), dbSNP rs1222453447, ClinGen allele CA354498221.